The following is an entry in ClinVar:

ClinVar aggregate classification (germline): Benign/Likely benign. Review status: criteria provided, multiple submitters, no conflicts (2 of 4 stars). 4 submissions from 4 submitters: Benign (1); Likely benign (3). Last evaluated 2026-01-27.

Allele frequency attached by ClinVar (database versions not stated): 1000 Genomes Project 30x 0.00031; 1000 Genomes Project 0.00040; TOPMed 0.00068; gnomAD 0.00097; ExAC 0.00100; ESP Exome Variant Server 0.00100; gnomAD exomes 0.00102.
gnomAD v4.1: 1,632 of 1,609,030 alleles (0.1%); highest among the groups gnomAD compares: Non-Finnish European, 0.1%; 2 homozygotes.

Submissions (4):

Labcorp Genetics (formerly Invitae), Labcorp
Classification: Benign. Last evaluated: 2026-01-27. Review status: criteria provided, single submitter. Criteria: Invitae Variant Classification Sherloc (09022015). Collection method: clinical testing. Allele origin: germline.

Mayo Clinic Laboratories, Mayo Clinic
Classification: Likely benign. Last evaluated: 2025-05-15. Review status: criteria provided, single submitter. Criteria: ACMG Guidelines, 2015. Collection method: clinical testing. Allele origin: germline. Observed: 3 variant alleles.
Comment: BP4, BP7

Blueprint Genetics
Classification: Likely benign. Last evaluated: 2024-10-17. Review status: criteria provided, single submitter. Criteria: ACMG Guidelines, 2015. Collection method: clinical testing. Allele origin: germline.

Women's Health and Genetics/Laboratory Corporation of America, LabCorp
Classification: Likely benign. Last evaluated: 2024-04-15. Review status: criteria provided, single submitter. Criteria: LabCorp Variant Classification Summary - May 2015. Collection method: clinical testing. Allele origin: germline.

Literature cited by the submitters: PubMed 35923707 (cited by Mayo Clinic Laboratories, Mayo Clinic).

NM_000301.5(PLG):c.459G>A (p.Arg153=)

Gene: PLG (plasminogen; plus strand). Cytogenetic location: 6q26.
Variant type: single nucleotide variant.
Coding change: c.459G>A on transcript NM_000301.5 (MANE Select); coding-DNA position 459, G replaced by A.
Protein change: p.Arg153=; no amino-acid change (arginine 153 retained).
Molecular consequence: synonymous variant.
Genome position (GRCh38, 1-based): chr6:160,713,037, G>A. VCF-style: chr6-160713037-G-A. GRCh37 (hg19) VCF-style: chr6-161134069-G-A.
Other names: p.Arg153=.
Identifiers: ClinVar variation 773206 (VCV000773206.11), dbSNP rs144153702, ClinGen allele CA4087446.